The following is an entry in ClinVar:

NM_000170.3(GLDC):c.1581-42_1665+5del

Gene: GLDC (glycine decarboxylase; minus strand). Cytogenetic location: 9p24.1.
Variant type: Deletion.
Coding change: c.1581-42_1665+5del on transcript NM_000170.3 (MANE Select); 42 bases into the intron before coding-DNA position 1581 through 5 bases into the intron after coding-DNA position 1665, 132 bases deleted.
Molecular consequence: splice acceptor variant, splice donor variant.
Genome position (GRCh38, 1-based): chr9:6,588,613-6,588,744, 132 bases deleted. GRCh37 (hg19): chr9:6,588,614-6,588,745.
Identifiers: ClinVar variation 1453108 (VCV001453108.6), dbSNP rs2129837171, ClinGen allele CA2573144489.

ClinVar aggregate classification (germline): Pathogenic (1 of 4 stars; one submission).

Conditions:
Glycine encephalopathy. Also called: Non-ketotic hyperglycinemia; Nonketotic hyperglycinemia. Identifiers: Orphanet 407, MedGen C0751748, MONDO:0011612, HP:0008288.

Submission:

Labcorp Genetics (formerly Invitae), Labcorp
Classification: Pathogenic for Glycine encephalopathy. Last evaluated: 2021-07-06. Review status: criteria provided, single submitter. Criteria: Invitae Variant Classification Sherloc (09022015). Collection method: clinical testing. Allele origin: germline.
Comment: For these reasons, this variant has been classified as Pathogenic. This variant is a gross deletion of the genomic region encompassing exon(s) 13 of the GLDC gene. This deletion is out-of-frame, and is expected to create a premature translational stop signal and result in an absent or disrupted protein product. Loss-of-function variants in GLDC are known to be pathogenic (PMID: 16601880). This variant is not present in population databases (ExAC no frequency). This variant has not been reported in the literature in individuals affected with GLDC-related conditions.

Literature cited by the submitters: PubMed 16601880.